The following is an entry in ClinVar:

NM_001171.6(ABCC6):c.3497del (p.Val1166fs)

Gene: ABCC6 (ATP binding cassette subfamily C member 6; minus strand). Cytogenetic location: 16p13.11.
Variant type: Deletion.
Coding change: c.3497del on transcript NM_001171.6 (MANE Select); coding-DNA position 3497, one base deleted (T; older notation c.3497delT).
Protein change: p.Val1166fs; shifts the reading frame from valine 1166.
Molecular consequence: frameshift variant.
Genome position (GRCh38, 1-based): chr16:16,163,002, A deleted on the plus strand (T on the coding strand, the reverse complement: ABCC6 is on the minus strand). VCF-style (leftmost placement, unchanged base first): chr16-16163001-CA-C. GRCh37 (hg19) VCF-style: chr16-16256858-CA-C.
Other names: c.3155del, p.Val1052fs (NM_001351800.1); short protein forms V1052fs, V1166fs.
Identifiers: ClinVar variation 1390356 (VCV001390356.6), dbSNP rs2152224246, ClinGen allele CA2573151902.

ClinVar aggregate classification (germline): Pathogenic (1 of 4 stars; one submission).

Submission:

Labcorp Genetics (formerly Invitae), Labcorp
Classification: Pathogenic. Last evaluated: 2020-12-21. Review status: criteria provided, single submitter. Criteria: Invitae Variant Classification Sherloc (09022015). Collection method: clinical testing. Allele origin: germline.
Comment: This sequence change creates a premature translational stop signal (p.Val1166Glyfs*27) in the ABCC6 gene. It is expected to result in an absent or disrupted protein product. Loss-of-function variants in ABCC6 are known to be pathogenic (PMID: 11536079, 17617515). For these reasons, this variant has been classified as Pathogenic. This variant has not been reported in the literature in individuals with ABCC6-related conditions. This variant is not present in population databases (ExAC no frequency).

Literature cited by the submitters: PubMed 11536079; PubMed 17617515.